The following is an entry in ClinVar:

NC_000007.14:g.38249505T>C

Genes: TRG (T cell receptor gamma locus; minus strand), TRGC2 (T cell receptor gamma constant 2; minus strand). Cytogenetic location: 7p14.1.
Variant type: single nucleotide variant.
Genome position: GRCh38 VCF-style: chr7-38249505-T-C. GRCh37 (hg19) VCF-style: chr7-38289106-T-C.
Identifiers: ClinVar variation 2657386 (VCV002657386.24), dbSNP rs71546638, ClinGen allele CA4223751.

ClinVar aggregate classification (germline): Benign (1 of 4 stars; one submission).

Allele frequency attached by ClinVar (database versions not stated): ESP Exome Variant Server 0.00043; gnomAD exomes 0.00122; ExAC 0.00231; 1000 Genomes Project 0.00359; 1000 Genomes Project 30x 0.00406; gnomAD 0.00480.

Submission:

CeGaT Center for Human Genetics Tuebingen
Classification: Benign. Last evaluated: 2022-12-01. Review status: criteria provided, single submitter. Criteria: CeGaT Center For Human Genetics Tuebingen Variant Classification Criteria Version 2. Collection method: clinical testing. Allele origin: germline. Affected: yes. Observed: 1 variant allele.
Comment: TARP: BS1, BS2